The following is an entry in ClinVar:

ClinVar aggregate classification (germline): Uncertain significance (1 of 4 stars; one submission).

Conditions:
Hereditary spastic paraplegia 39 (SPG39). Also called: Spastic Paraplegia Type 39 (SPG39); SPASTIC PARAPLEGIA 39, AUTOSOMAL RECESSIVE. Identifiers: Orphanet 139480, MedGen C2677586, MONDO:0012787, OMIM 612020.

Submission:

Labcorp Genetics (formerly Invitae), Labcorp
Classification: Uncertain significance for Hereditary spastic paraplegia 39. Last evaluated: 2019-12-27. Review status: criteria provided, single submitter. Criteria: Invitae Variant Classification Sherloc (09022015). Collection method: clinical testing. Allele origin: germline.
Comment: In summary, the available evidence is currently insufficient to determine the role of this variant in disease. Therefore, it has been classified as a Variant of Uncertain Significance. Algorithms developed to predict the effect of missense changes on protein structure and function are either unavailable or do not agree on the potential impact of this missense change (SIFT: "Deleterious"; PolyPhen-2: "Probably Damaging"; Align-GVGD: "Class C0"). This variant has not been reported in the literature in individuals with PNPLA6-related conditions. This variant is not present in population databases (ExAC no frequency). This sequence change replaces glutamic acid with alanine at codon 1275 of the PNPLA6 protein (p.Glu1275Ala). The glutamic acid residue is moderately conserved and there is a moderate physicochemical difference between glutamic acid and alanine.

NM_001166114.2(PNPLA6):c.3938A>C (p.Glu1313Ala)

Gene: PNPLA6 (patatin like domain 6, lysophospholipase; plus strand). Cytogenetic location: 19p13.2.
Variant type: single nucleotide variant.
Coding change: c.3938A>C on transcript NM_001166114.2 (MANE Select); coding-DNA position 3938, A replaced by C.
Protein change: p.Glu1313Ala; replaces glutamic acid 1313 with alanine.
Molecular consequence: missense variant.
Genome position (GRCh38, 1-based): chr19:7,561,232, A>C. VCF-style: chr19-7561232-A-C. GRCh37 (hg19) VCF-style: chr19-7626118-A-C.
Other names: c.3968A>C, p.Glu1323Ala (NM_001166111.2); c.3743A>C, p.Glu1248Ala (NM_001166112.2); c.3824A>C, p.Glu1275Ala (NM_001166113.1, NM_006702.5); short protein forms E1248A, E1313A, E1323A, E1275A.
Identifiers: ClinVar variation 860665 (VCV000860665.10), dbSNP rs2024087885, ClinGen allele CA403139139.